The following is an entry in ClinVar:

ClinVar aggregate classification (germline): Likely pathogenic (1 of 4 stars; one submission).

Conditions:
Combined oxidative phosphorylation deficiency 51. Identifiers: MedGen C5436703, MONDO:0033631, OMIM 619057.

gnomAD v4.1: 4 of 1,612,272 alleles (0.00025%); highest among the groups gnomAD compares: Middle Eastern, 0.017%; no homozygotes.

Submission:

First Genomix Gene Laboratory, Genetic Diagnostics Department
Classification: Likely pathogenic for Combined oxidative phosphorylation deficiency 51. Last evaluated: 2025-01-03. Review status: criteria provided, single submitter. Criteria: ACMG Guidelines, 2015. Collection method: clinical testing. Allele origin: germline. Inheritance: Autosomal recessive inheritance. Affected: no. Observed: 1 variant allele.

NM_017952.6(PTCD3):c.805-2A>G

Gene: PTCD3 (pentatricopeptide repeat domain 3; plus strand). Cytogenetic location: 2p11.2.
Variant type: single nucleotide variant.
Coding change: c.805-2A>G on transcript NM_017952.6 (MANE Select); the canonical splice acceptor site of the intron before coding-DNA position 805, A replaced by G.
Molecular consequence: splice acceptor variant.
Genome position (GRCh38, 1-based): chr2:86,125,453, A>G. VCF-style: chr2-86125453-A-G. GRCh37 (hg19) VCF-style: chr2-86352576-A-G.
Identifiers: ClinVar variation 4845731 (VCV004845731.1).